The following is an entry in ClinVar:

NM_152564.5(VPS13B):c.8792+1G>T

Gene: VPS13B (vacuolar protein sorting 13 homolog B; plus strand). Cytogenetic location: 8q22.2.
Variant type: single nucleotide variant.
Coding change: c.8792+1G>T on transcript NM_152564.5 (MANE Select); the canonical splice donor site of the intron after coding-DNA position 8792, G replaced by T.
Molecular consequence: splice donor variant.
Genome position (GRCh38, 1-based): chr8:99,819,583, G>T. VCF-style: chr8-99819583-G-T. GRCh37 (hg19) VCF-style: chr8-100831811-G-T.
Other names: c.8792+1G>T (NM_152564.4); c.8867+1G>T (NM_017890.5, NM_017890.4).
Identifiers: ClinVar variation 1490337 (VCV001490337.8), dbSNP rs1415714103, ClinGen allele CA371776773.

ClinVar aggregate classification (germline): Likely pathogenic. Review status: criteria provided, multiple submitters, no conflicts (2 of 4 stars). 3 submissions from 3 submitters: Likely pathogenic (3). Last evaluated 2026-09-16.

Conditions:
Cohen syndrome (COH1). Also called: Cutis verticis gyrata, retinitis pigmentosa, and sensorineural deafness; PEPPER SYNDROME. Identifiers: Orphanet 193, MedGen C0265223, MONDO:0008999, OMIM 216550.
VPS13B-related disorder. Also called: VPS13B-related condition.

Allele frequency attached by ClinVar (database versions not stated): gnomAD exomes below 0.00001; TOPMed below 0.00001; gnomAD 0.00001.
gnomAD v4.1: 4 of 1,613,052 alleles (0.00025%); highest among the groups gnomAD compares: Non-Finnish European, 0.00034%; no homozygotes.

Submissions (3):

PreventionGenetics, part of Exact Sciences
Classification: Likely pathogenic for VPS13B-related condition. Last evaluated: 2026-09-16. Review status: criteria provided, single submitter. Criteria: ACMG Guidelines, 2015. Collection method: clinical testing. Allele origin: germline.
Comment: The VPS13B c.8792+1G>T variant is predicted to disrupt the GT donor site and interfere with normal splicing. To our knowledge, this variant has not been reported in the literature or in a large population database (gnomAD), indicating this variant is rare. Variants that disrupt the consensus splice donor site in VPS13B are expected to be pathogenic. This variant is interpreted as likely pathogenic.

Fulgent Genetics
Classification: Likely pathogenic for Cohen syndrome. Last evaluated: 2024-04-05. Review status: criteria provided, single submitter. Criteria: ACMG Guidelines, 2015. Collection method: clinical testing. Allele origin: germline.

Labcorp Genetics (formerly Invitae), Labcorp
Classification: Likely pathogenic for Cohen syndrome. Last evaluated: 2024-01-25. Review status: criteria provided, single submitter. Criteria: Invitae Variant Classification Sherloc (09022015). Collection method: clinical testing. Allele origin: germline.
Comment: This sequence change affects a donor splice site in intron 48 of the VPS13B gene. It is expected to disrupt RNA splicing. Variants that disrupt the donor or acceptor splice site typically lead to a loss of protein function (PMID: 16199547), and loss-of-function variants in VPS13B are known to be pathogenic (PMID: 15141358, 16648375, 20461111). This variant is not present in population databases (gnomAD no frequency). This variant has not been reported in the literature in individuals affected with VPS13B-related conditions. ClinVar contains an entry for this variant (Variation ID: 1490337). Algorithms developed to predict the effect of sequence changes on RNA splicing suggest that this variant may disrupt the consensus splice site. In summary, the currently available evidence indicates that the variant is pathogenic, but additional data are needed to prove that conclusively. Therefore, this variant has been classified as Likely Pathogenic.

Literature cited by the submitters: PubMed 16199547 (cited by Labcorp Genetics (formerly Invitae), Labcorp); PubMed 15141358 (cited by Labcorp Genetics (formerly Invitae), Labcorp); PubMed 16648375 (cited by Labcorp Genetics (formerly Invitae), Labcorp); PubMed 20461111 (cited by Labcorp Genetics (formerly Invitae), Labcorp).